The following is an entry in ClinVar:

ClinVar aggregate classification (germline): Uncertain significance (1 of 4 stars; one submission).

Submission:

Labcorp Genetics (formerly Invitae), Labcorp
Classification: Uncertain significance. Last evaluated: 2020-08-17. Review status: criteria provided, single submitter. Criteria: Invitae Variant Classification Sherloc (09022015). Collection method: clinical testing. Allele origin: germline.
Comment: This sequence change replaces histidine with arginine at codon 554 of the CTNNA1 protein (p.His554Arg). The histidine residue is highly conserved and there is a small physicochemical difference between histidine and arginine. This variant is not present in population databases (ExAC no frequency). This variant has not been reported in the literature in individuals with CTNNA1-related conditions. Algorithms developed to predict the effect of missense changes on protein structure and function are either unavailable or do not agree on the potential impact of this missense change (SIFT: "Deleterious"; PolyPhen-2: "Benign"; Align-GVGD: "Class C0"). In summary, the available evidence is currently insufficient to determine the role of this variant in disease. Therefore, it has been classified as a Variant of Uncertain Significance.

NM_001903.5(CTNNA1):c.1661A>G (p.His554Arg)

Gene: CTNNA1 (catenin alpha 1; plus strand). Cytogenetic location: 5q31.2.
Variant type: single nucleotide variant.
Coding change: c.1661A>G on transcript NM_001903.5 (MANE Select); coding-DNA position 1661, A replaced by G.
Protein change: p.His554Arg; replaces histidine 554 with arginine.
Molecular consequence: missense variant.
Genome position (GRCh38, 1-based): chr5:138,924,624, A>G. VCF-style: chr5-138924624-A-G. GRCh37 (hg19) VCF-style: chr5-138260313-A-G.
Other names: c.1661A>G, p.His554Arg (NM_001290307.3, NM_001323982.2, NM_001323983.1 and 2 more transcripts); c.1352A>G, p.His451Arg (NM_001290309.3); c.1292A>G, p.His431Arg (NM_001290310.3); c.551A>G, p.His184Arg (NM_001290312.1, NM_001323987.1, NM_001323988.1 and 17 more transcripts); c.1568A>G, p.His523Arg (NM_001323986.2); c.212A>G, p.His71Arg (NM_001324006.1, NM_001324007.1, NM_001324008.1 and 2 more transcripts); c.458A>G, p.His153Arg (NM_001324011.1); c.308A>G, p.His103Arg (NM_001324012.1, NM_001324013.1); short protein forms H103R, H153R, H184R, H431R, H451R, H523R, H554R, H71R.
Identifiers: ClinVar variation 999014 (VCV000999014.8), dbSNP rs1763616190, ClinGen allele CA361131917.
Genomic context (GRCh38, chr5:138,924,624, plus strand): 5'-ATGTGGATGGCCTGGACCGCACAGCTGGTGCAATTCGAGGCCGGGCAGCCCGGGTCATTC[A>G]CGTAGTCACCTCAGAGATGGACAACTATGAGCCAGGAGTCTACACAGAGAAGGTTCTGGA-3'
Protein context (NP_001894.2, residues 544-564): AIRGRAARVI[His554Arg]VVTSEMDNYE